The following is an entry in ClinVar:

ClinVar aggregate classification (germline): Uncertain significance. Review status: criteria provided, multiple submitters, no conflicts (2 of 4 stars). 2 submissions from 2 submitters: Uncertain significance (2). Last evaluated 2025-11-11.

Conditions:
Inborn genetic diseases. Identifiers: MedGen C0950123, MeSH D030342.

Allele frequency attached by ClinVar (database versions not stated): 1000 Genomes Project 30x 0.00016; 1000 Genomes Project 0.00020; TOPMed 0.00039; gnomAD 0.00048; gnomAD exomes 0.00053 and 0.00064; ExAC 0.00060; ESP Exome Variant Server 0.00069.
gnomAD v4.1: 950 of 1,545,336 alleles (0.061%); highest among the groups gnomAD compares: Non-Finnish European, 0.078%; no homozygotes.

Submissions (2):

Labcorp Genetics (formerly Invitae), Labcorp
Classification: Uncertain significance. Last evaluated: 2025-11-11. Review status: criteria provided, single submitter. Criteria: Invitae Variant Classification Sherloc (09022015). Collection method: clinical testing. Allele origin: germline.
Comment: This sequence change replaces proline, which is neutral and non-polar, with leucine, which is neutral and non-polar, at codon 620 of the PLD1 protein (p.Pro620Leu). This variant is present in population databases (rs140003741, gnomAD 0.09%), and has an allele count higher than expected for a pathogenic variant. This variant has not been reported in the literature in individuals affected with PLD1-related conditions. ClinVar contains an entry for this variant (Variation ID: 1357453). An algorithm developed to predict the effect of missense changes on protein structure and function (PolyPhen-2) suggests that this variant is likely to be tolerated. In summary, the available evidence is currently insufficient to determine the role of this variant in disease. Therefore, it has been classified as a Variant of Uncertain Significance.

Ambry Genetics
Classification: Uncertain significance for Inborn genetic diseases. Last evaluated: 2022-12-28. Review status: criteria provided, single submitter. Criteria: Ambry Variant Classification Scheme 2023. Collection method: clinical testing. Allele origin: germline.

NM_002662.5(PLD1):c.1859C>T (p.Pro620Leu)

Gene: PLD1 (phospholipase D1; minus strand). Cytogenetic location: 3q26.31.
Variant type: single nucleotide variant.
Coding change: c.1859C>T on transcript NM_002662.5 (MANE Select); coding-DNA position 1859, C replaced by T.
Protein change: p.Pro620Leu; replaces proline 620 with leucine.
Molecular consequence: missense variant. On other transcripts: intron variant (1).
Genome position (GRCh38, 1-based): chr3:171,686,693, G>A on the plus strand (C>T on the coding strand, the complement: PLD1 is on the minus strand). VCF-style: chr3-171686693-G-A. GRCh37 (hg19) VCF-style: chr3-171404483-G-A.
Other names: c.1859C>T (NM_002662.4); c.1753+678C>T (NM_001130081.3); short protein forms P620L.
Identifiers: ClinVar variation 1357453 (VCV001357453.7), dbSNP rs140003741, ClinGen allele CA2704483.
Genomic context (GRCh38, chr3:171,686,693, plus strand): 5'-CACAACCAAAGCTCAAGCCTAAGGGAGTTCTGCCACTTCACAAATTACTTACCAGCATGA[G>A]GTCTAGTGAGTCCTTGCTCAGACTCACTGGACGGGTGAAAGAGTTTGAAGTGGGGTTTTA-3'
Protein context (NP_002653.1, residues 610-630): SSESEQGLTR[Pro620Leu]HADTGSIRSL